The following is an entry in ClinVar:

ClinVar aggregate classification (germline): Benign. Review status: criteria provided, multiple submitters, no conflicts (2 of 4 stars). 8 submissions from 8 submitters: Benign (8). Last evaluated 2026-02-04.

Conditions:
Primary ciliary dyskinesia. Also called: Ciliary dyskinesia. Identifiers: Orphanet 244, MedGen C0008780, MONDO:0016575, HP:0012265.
Primary ciliary dyskinesia 13. Also called: CILIARY DYSKINESIA, PRIMARY, 13, WITH OR WITHOUT SITUS INVERSUS. Identifiers: Orphanet 244, MedGen C2750790, MONDO:0013174, OMIM 613193.

Allele frequency attached by ClinVar (database versions not stated): 1000 Genomes Project 30x 0.25859; 1000 Genomes Project 0.26198; ESP Exome Variant Server 0.26292; gnomAD 0.27717 and 0.27950; TOPMed 0.27939; ExAC 0.32839; gnomAD exomes 0.33700 and 0.34206.
gnomAD v4.1: 541,176 of 1,613,740 alleles (34%); highest among the groups gnomAD compares: Admixed American, 44%; 94,086 homozygotes.

Submissions (8):

Labcorp Genetics (formerly Invitae), Labcorp
Classification: Benign for Primary ciliary dyskinesia. Last evaluated: 2026-02-04. Review status: criteria provided, single submitter. Criteria: Invitae Variant Classification Sherloc (09022015). Collection method: clinical testing. Allele origin: germline.

Blueprint Genetics
Classification: Benign. Last evaluated: 2024-11-27. Review status: criteria provided, single submitter. Criteria: ACMG Guidelines, 2015. Collection method: clinical testing. Allele origin: germline.

Mayo Clinic Laboratories, Mayo Clinic
Classification: Benign. Last evaluated: 2022-04-26. Review status: criteria provided, single submitter. Criteria: ACMG Guidelines, 2015. Collection method: clinical testing. Allele origin: germline. Observed: 121 variant alleles.

GeneDx
Classification: Benign. Last evaluated: 2018-11-10. Review status: criteria provided, single submitter. Criteria: GeneDx Variant Classification Process June 2021. Collection method: clinical testing. Allele origin: germline. Affected: yes.

Illumina Laboratory Services, Illumina
Classification: Benign for Primary ciliary dyskinesia 13. Last evaluated: 2018-01-13. Review status: criteria provided, single submitter. Criteria: ICSL Variant Classification Criteria 13 December 2019. Collection method: clinical testing. Allele origin: germline.
Comment: This variant was observed in the ICSL laboratory as part of a predisposition screen in an ostensibly healthy population. It had not been previously curated by ICSL or reported in the Human Gene Mutation Database (HGMD: prior to June 1st, 2018), and was therefore a candidate for classification through an automated scoring system. Utilizing variant allele frequency, disease prevalence and penetrance estimates, and inheritance mode, an automated score was calculated to assess if this variant is too frequent to cause the disease. Based on the score and internal cut-off values, a variant classified as benign is not then subjected to further curation. The score for this variant resulted in a classification of benign for this disease.

Laboratory for Molecular Medicine, Mass General Brigham Personalized Medicine
Classification: Benign. Last evaluated: 2013-02-21. Review status: criteria provided, single submitter. Criteria: LMM Criteria. Collection method: clinical testing. Allele origin: germline. Observed: 65 variant alleles.
Comment: 1698+7G>T in intron 10 of DNAAF1: This variant is not expected to have clinical significance because it is not located within the conserved splice consensus seq uence. It has been identified in 34.2% (2945/8600) of European American chromoso mes from a broad population by the NHLBI Exome Sequencing Project (.; dbSNP rs3826151).

Breakthrough Genomics
Classification: Benign. Review status: criteria provided, single submitter. Criteria: ACMG Guidelines, 2015. Collection method: not provided. Allele origin: germline. Inheritance: Autosomal recessive inheritance. Affected: yes.

PreventionGenetics, part of Exact Sciences
Classification: Benign. Review status: criteria provided, single submitter. Criteria: ACMG Guidelines, 2015. Collection method: clinical testing. Allele origin: germline.

NM_178452.6(DNAAF1):c.1698+7G>T

Gene: DNAAF1 (dynein axonemal assembly factor 1; plus strand). Cytogenetic location: 16q24.1.
Variant type: single nucleotide variant.
Coding change: c.1698+7G>T on transcript NM_178452.6 (MANE Select); 7 bases into the intron after coding-DNA position 1698, G replaced by T.
Molecular consequence: intron variant.
Genome position (GRCh38, 1-based): chr16:84,174,729, G>T. VCF-style: chr16-84174729-G-T. GRCh37 (hg19) VCF-style: chr16-84208335-G-T.
Other names: p.?; c.990+7G>T (NM_001318756.1).
Identifiers: ClinVar variation 163084 (VCV000163084.25), dbSNP rs3826151, ClinGen allele CA175681.
Genomic context (GRCh38, chr16:84,174,729, plus strand): 5'-GACCTACCTGACTTGGAAGATGATGATGAAACAGGCAAATCTCTGGAAGACCAGGTTAAG[G>T]TCATTAGAAACCATTTTCCCACAGGCAGCTTAATTCCACCTTCGTTCTTGTCGTTTACCG-3'